The following is an entry in ClinVar:

ClinVar aggregate classification (germline): Uncertain significance (1 of 4 stars; one submission).

Conditions:
Hypertrophic cardiomyopathy 14. Identifiers: MedGen C2750467, MONDO:0013197, OMIM 613251.

Submission:

Labcorp Genetics (formerly Invitae), Labcorp
Classification: Uncertain significance for Hypertrophic cardiomyopathy 14. Last evaluated: 2021-10-08. Review status: criteria provided, single submitter. Criteria: Invitae Variant Classification Sherloc (09022015). Collection method: clinical testing. Allele origin: germline.
Comment: In summary, the available evidence is currently insufficient to determine the role of this variant in disease. Therefore, it has been classified as a Variant of Uncertain Significance. This sequence change replaces asparagine with serine at codon 80 of the MYH6 protein (p.Asn80Ser). The asparagine residue is weakly conserved and there is a small physicochemical difference between asparagine and serine. This variant is not present in population databases (ExAC no frequency). This variant has not been reported in the literature in individuals affected with MYH6-related conditions. Algorithms developed to predict the effect of missense changes on protein structure and function are either unavailable or do not agree on the potential impact of this missense change (SIFT: "Deleterious"; PolyPhen-2: "Possibly Damaging"; Align-GVGD: "Class C0").

NM_002471.4(MYH6):c.239A>G (p.Asn80Ser)

Genes: MYH6 (myosin heavy chain 6; minus strand), LOC114827851 (VISTA enhancer hs2155; plus strand). Cytogenetic location: 14q11.2.
Variant type: single nucleotide variant.
Coding change: c.239A>G on transcript NM_002471.4 (MANE Select); coding-DNA position 239, A replaced by G.
Protein change: p.Asn80Ser; replaces asparagine 80 with serine.
Molecular consequence: missense variant.
Genome position (GRCh38, 1-based): chr14:23,405,733, T>C on the plus strand (A>G on the coding strand, the complement: MYH6 is on the minus strand). VCF-style: chr14-23405733-T-C. GRCh37 (hg19) VCF-style: chr14-23874942-T-C.
Other names: short protein forms N80S.
Identifiers: ClinVar variation 1385308 (VCV001385308.6), dbSNP rs2138620546, ClinGen allele CA389031755.